The following is an entry in ClinVar:

ClinVar aggregate classification (germline): Pathogenic (1 of 4 stars; one submission).

Conditions:
Charlevoix-Saguenay spastic ataxia (SACS). Also called: SPASTIC ATAXIA 6, AUTOSOMAL RECESSIVE; AUTOSOMAL RECESSIVE SPASTIC ATAXIA OF CHARLEVOIX-SAGUENAY; Spastic ataxia of Charlevoix-Saguenay. Identifiers: Orphanet 98, MedGen C1849140, MONDO:0010041, OMIM 270550.

Submission:

Myriad Genetics, Inc.
Classification: Pathogenic for Charlevoix-Saguenay spastic ataxia. Last evaluated: 2026-06-12. Review status: criteria provided, single submitter. Criteria: Myriad Autosomal Dominant, Autosomal Recessive and X-Linked Classification Criteria (2023). Collection method: clinical testing. Allele origin: unknown.
Comment: NM_014363.4(SACS):c.10360G>T(E3454*) is a nonsense variant classified as pathogenic in the context of autosomal recessive spastic ataxia of Charlevoix-Saguenay. E3454* has not been observed in cases with relevant disease. Relevant functional assessments of this variant are not available in the literature. E3454* has not been observed in referenced population frequency databases. In summary, NM_014363.4(SACS):c.10360G>T(E3454*) is a nonsense variant in a gene where loss of function is a known mechanism of disease and is predicted to disrupt protein function. Please note: this variant was assessed in the context of healthy population screening.

NM_014363.6(SACS):c.10360G>T (p.Glu3454Ter)

Gene: SACS (sacsin molecular chaperone; minus strand). Cytogenetic location: 13q12.12.
Variant type: single nucleotide variant.
Coding change: c.10360G>T on transcript NM_014363.6 (MANE Select); coding-DNA position 10360, G replaced by T.
Protein change: p.Glu3454Ter; replaces glutamic acid 3454 with a stop codon.
Molecular consequence: nonsense.
Genome position (GRCh38, 1-based): chr13:23,333,516, C>A on the plus strand (G>T on the coding strand, the complement: SACS is on the minus strand). VCF-style: chr13-23333516-C-A. GRCh37 (hg19) VCF-style: chr13-23907655-C-A.
Other names: c.9919G>T, p.Glu3307Ter (NM_001278055.2); c.10387G>T, p.Glu3463Ter (NM_001437336.1); short protein forms E3454*, E3307*, E3463*.
Identifiers: ClinVar variation 5003874 (VCV005003874.1).